The following is an entry in ClinVar:

NM_000161.3(GCH1):c.394G>A (p.Val132Met)

Gene: GCH1 (GTP cyclohydrolase 1; minus strand). Cytogenetic location: 14q22.2.
Variant type: single nucleotide variant.
Coding change: c.394G>A on transcript NM_000161.3 (MANE Select); coding-DNA position 394, G replaced by A.
Protein change: p.Val132Met; replaces valine 132 with methionine.
Molecular consequence: missense variant.
Genome position (GRCh38, 1-based): chr14:54,865,386, C>T on the plus strand (G>A on the coding strand, the complement: GCH1 is on the minus strand). VCF-style: chr14-54865386-C-T. GRCh37 (hg19) VCF-style: chr14-55332104-C-T.
Other names: c.394G>A, p.Val132Met (NM_001024024.2, NM_001024070.2, NM_001024071.2 and 1 more transcripts); c.100G>A, p.Val34Met (NM_001424105.1); short protein forms V132M, V34M.
Identifiers: ClinVar variation 2940349 (VCV002940349.3), dbSNP rs1359856164, ClinGen allele CA389790131.

ClinVar aggregate classification (germline): Uncertain significance (1 of 4 stars; one submission).

Conditions:
GTP cyclohydrolase I deficiency. Identifiers: MedGen C0268467, MONDO:0100184.
Dystonia 5 (DRD). Also called: DYSTONIA, PROGRESSIVE, WITH DIURNAL VARIATION; DYSTONIA-PARKINSONISM WITH DIURNAL FLUCTUATION; GTP Cyclohydrolase 1-Deficient Dopa-Responsive Dystonia; Dystonia, DOPA-responsive, with or without hyperphenylalaninemia; DYT-GCH1. Identifiers: Orphanet 98808, MedGen C1851920, MONDO:0007495, OMIM 128230.

Allele frequency attached by ClinVar (database versions not stated): gnomAD 0.00001.

Submission:

Labcorp Genetics (formerly Invitae), Labcorp
Classification: Uncertain significance for GTP cyclohydrolase I deficiency; Dystonia 5. Last evaluated: 2023-01-04. Review status: criteria provided, single submitter. Criteria: Invitae Variant Classification Sherloc (09022015). Collection method: clinical testing. Allele origin: germline.
Comment: This variant is present in population databases (no rsID available, gnomAD 0.01%). This sequence change replaces valine, which is neutral and non-polar, with methionine, which is neutral and non-polar, at codon 132 of the GCH1 protein (p.Val132Met). In summary, the available evidence is currently insufficient to determine the role of this variant in disease. Therefore, it has been classified as a Variant of Uncertain Significance. Advanced modeling of protein sequence and biophysical properties (such as structural, functional, and spatial information, amino acid conservation, physicochemical variation, residue mobility, and thermodynamic stability) has been performed at Invitae for this missense variant, however the output from this modeling did not meet the statistical confidence thresholds required to predict the impact of this variant on GCH1 protein function. This variant has not been reported in the literature in individuals affected with GCH1-related conditions.